The following is an entry in ClinVar:

ClinVar aggregate classification (germline): Likely benign (1 of 4 stars; one submission).

Conditions:
Primary ciliary dyskinesia 14. Also called: CILIARY DYSKINESIA, PRIMARY, 14, WITH OR WITHOUT SITUS INVERSUS. Identifiers: Orphanet 244, MedGen C3151136, MONDO:0013434, OMIM 613807.

Allele frequency attached by ClinVar (database versions not stated): gnomAD exomes 0.00035; gnomAD 0.00691 and 0.00748; 1000 Genomes Project 0.00719; TOPMed 0.00758; 1000 Genomes Project 30x 0.00828.
gnomAD v4.1: 1,064 of 212,532 alleles (0.5%); highest among the groups gnomAD compares: African/African-American, 2.4%; 18 homozygotes.

Submission:

Illumina Laboratory Services, Illumina
Classification: Likely benign for Primary ciliary dyskinesia 14. Last evaluated: 2018-01-13. Review status: criteria provided, single submitter. Criteria: ICSL Variant Classification Criteria 13 December 2019. Collection method: clinical testing. Allele origin: germline.
Comment: This variant was observed in the ICSL laboratory as part of a predisposition screen in an ostensibly healthy population. It had not been previously curated by ICSL or reported in the Human Gene Mutation Database (HGMD: prior to June 1st, 2018), and was therefore a candidate for classification through an automated scoring system. Utilizing variant allele frequency, disease prevalence and penetrance estimates, and inheritance mode, an automated score was calculated to assess if this variant is too frequent to cause the disease. Based on the score and internal cut-off values, a variant classified as likely benign is not then subjected to further curation. The score for this variant resulted in a classification of likely benign for this disease.

NM_181426.2(CCDC39):c.*325C>T

Genes: TTC14 (tetratricopeptide repeat domain 14; plus strand), CCDC39 (coiled-coil domain 39 molecular ruler complex subunit; minus strand). Cytogenetic location: 3q26.33.
Variant type: single nucleotide variant.
Coding change: c.*325C>T on transcript NM_181426.2 (MANE Select); 325 bases downstream of the stop codon, C replaced by T.
Molecular consequence: 3 prime UTR variant. On other transcripts: intron variant (1).
Genome position (GRCh38, 1-based): chr3:180,614,596, G>A on the plus strand (C>T on the coding strand, the complement: CCDC39 is on the minus strand). VCF-style: chr3-180614596-G-A. GRCh37 (hg19) VCF-style: chr3-180332384-G-A.
Other names: c.1775-2784G>A (NM_001288582.2).
Identifiers: ClinVar variation 344253 (VCV000344253.7), dbSNP rs73883902, ClinGen allele CA10617753.
Genomic context (GRCh38, chr3:180,614,596, plus strand): 5'-CACATTGCAATACGCTCATAATAGTACAGTAAATCTTTAGAAATTTCTTCTTGAAAGATT[G>A]TTACATTAGAAGTGAGTGTAGTTTCGTGAAATAATGAAGCAAACTATTTTCTAACACTAC-3'